The following is an entry in ClinVar:

NM_001164508.2(NEB):c.19901T>C (p.Val6634Ala)

Gene: NEB (nebulin; minus strand). Cytogenetic location: 2q23.3.
Variant type: single nucleotide variant.
Coding change: c.19901T>C on transcript NM_001164508.2 (MANE Select); coding-DNA position 19901, T replaced by C.
Protein change: p.Val6634Ala; replaces valine 6634 with alanine.
Molecular consequence: missense variant.
Genome position (GRCh38, 1-based): chr2:151,551,781, A>G on the plus strand (T>C on the coding strand, the complement: NEB is on the minus strand). VCF-style: chr2-151551781-A-G. GRCh37 (hg19) VCF-style: chr2-152408295-A-G.
Other names: c.19901T>C, p.Val6634Ala (NM_001164507.2, NM_001271208.2); c.14798T>C, p.Val4933Ala (NM_004543.5); c.14798T>C (NM_004543.4); short protein forms V6634A, V4933A.
Identifiers: ClinVar variation 450760 (VCV000450760.4), dbSNP rs771989092, ClinGen allele CA1907502.

ClinVar aggregate classification (germline): Conflicting classifications of pathogenicity. Review status: criteria provided, conflicting classifications (1 of 4 stars). 2 submissions from 2 submitters: Uncertain significance (1); Likely benign (1). Last evaluated 2025-08-27.

Conditions:
Inborn genetic diseases. Identifiers: MedGen C0950123, MeSH D030342.

Allele frequency attached by ClinVar (database versions not stated): gnomAD exomes below 0.00001; TOPMed below 0.00001; ExAC 0.00001.
gnomAD v4.1: 7 of 1,613,622 alleles (0.00043%); highest among the groups gnomAD compares: Non-Finnish European, 0.00051%; no homozygotes.

Submissions (2):

Ambry Genetics
Classification: Uncertain significance for Inborn genetic diseases. Last evaluated: 2025-08-27. Review status: criteria provided, single submitter. Criteria: Ambry Variant Classification Scheme 2023. Collection method: clinical testing. Allele origin: germline.

GeneDx
Classification: Likely benign. Last evaluated: 2019-04-18. Review status: criteria provided, single submitter. Criteria: GeneDx Variant Classification Process June 2021. Collection method: clinical testing. Allele origin: germline. Affected: yes.
Comment: Not observed at a significant frequency in large population cohorts (Lek et al., 2016); Missense variant in a gene in which most reported pathogenic variants are truncating/loss-of-function; Has not been previously published as pathogenic or benign to our knowledge